The following is an entry in ClinVar:

ClinVar aggregate classification (germline): Likely benign (1 of 4 stars; one submission).

Submission:

CeGaT Center for Human Genetics Tuebingen
Classification: Likely benign. Last evaluated: 2025-11-01. Review status: criteria provided, single submitter. Criteria: CeGaT Center For Human Genetics Tuebingen Variant Classification Criteria Version 2. Collection method: clinical testing. Allele origin: germline. Affected: yes. Observed: 1 variant allele.
Comment: POLR2A: BP4, BP7

NM_000937.5(POLR2A):c.3318C>T (p.Thr1106=)

Gene: POLR2A (RNA polymerase II subunit A; plus strand). Cytogenetic location: 17p13.1.
Variant type: single nucleotide variant.
Coding change: c.3318C>T on transcript NM_000937.5 (MANE Select); coding-DNA position 3318, C replaced by T.
Protein change: p.Thr1106=; no amino-acid change (threonine 1106 retained).
Molecular consequence: synonymous variant.
Genome position (GRCh38, 1-based): chr17:7,508,328, C>T. VCF-style: chr17-7508328-C-T. GRCh37 (hg19) VCF-style: chr17-7411647-C-T.
Identifiers: ClinVar variation 4533658 (VCV004533658.6).